The following is an entry in ClinVar:

NM_198578.4(LRRK2):c.4174G>A (p.Val1392Met)

Gene: LRRK2 (leucine rich repeat kinase 2; plus strand). Cytogenetic location: 12q12.
Variant type: single nucleotide variant.
Coding change: c.4174G>A on transcript NM_198578.4 (MANE Select); coding-DNA position 4174, G replaced by A.
Protein change: p.Val1392Met; replaces valine 1392 with methionine.
Molecular consequence: missense variant.
Genome position (GRCh38, 1-based): chr12:40,308,681, G>A. VCF-style: chr12-40308681-G-A. GRCh37 (hg19) VCF-style: chr12-40702483-G-A.
Other names: short protein forms V1392M.
Identifiers: ClinVar variation 2954620 (VCV002954620.3), dbSNP rs2499813931, ClinGen allele CA384417913.
Genomic context (GRCh38, chr12:40,308,681, plus strand): 5'-GATGTGAAAGACTGGCCTATCCAAATAAGAGACAAAAGAAAGAGAGATCTCGTCCTAAAT[G>A]TGTGGGATTTTGCAGGTATTTCTTTCTATAGAATTTTAAAATTCACTTTTACCATTTGTT-3'
Protein context (NP_940980.4, residues 1382-1402): DKRKRDLVLN[Val1392Met]WDFAGREEFY

ClinVar aggregate classification (germline): Uncertain significance (1 of 4 stars; one submission).

Conditions:
Autosomal dominant Parkinson disease 8. Also called: LRRK2-Related Parkinson Disease; Parkinson disease 8; Parkinson disease 8, susceptibility to. Identifiers: Orphanet 411602, MedGen C1846862, MONDO:0011764, OMIM 607060.

Submission:

Labcorp Genetics (formerly Invitae), Labcorp
Classification: Uncertain significance for Autosomal dominant Parkinson disease 8. Last evaluated: 2023-08-24. Review status: criteria provided, single submitter. Criteria: Invitae Variant Classification Sherloc (09022015). Collection method: clinical testing. Allele origin: germline.
Comment: Advanced modeling of protein sequence and biophysical properties (such as structural, functional, and spatial information, amino acid conservation, physicochemical variation, residue mobility, and thermodynamic stability) has been performed at Invitae for this missense variant, however the output from this modeling did not meet the statistical confidence thresholds required to predict the impact of this variant on LRRK2 protein function. This variant has not been reported in the literature in individuals affected with LRRK2-related conditions. This variant is not present in population databases (gnomAD no frequency). This sequence change replaces valine, which is neutral and non-polar, with methionine, which is neutral and non-polar, at codon 1392 of the LRRK2 protein (p.Val1392Met). In summary, the available evidence is currently insufficient to determine the role of this variant in disease. Therefore, it has been classified as a Variant of Uncertain Significance.